The following is an entry in ClinVar:

NM_001160148.2(DDHD1):c.322_327dup (p.Ser108_Gly109dup)

Gene: DDHD1 (DDHD domain containing 1; minus strand). Cytogenetic location: 14q22.1.
Variant type: Duplication.
Coding change: c.322_327dup on transcript NM_001160148.2 (MANE Select); coding-DNA positions 322 to 327, 6 bases duplicated (AGCGGC; older notation c.322_327dupAGCGGC).
Protein change: p.Ser108_Gly109dup.
Molecular consequence: inframe insertion.
Genome position (GRCh38, 1-based): chr14:53,152,772-53,152,777, GCCGCT duplicated on the plus strand (AGCGGC on the coding strand, the reverse complement: DDHD1 is on the minus strand). VCF-style (leftmost placement, unchanged base first): chr14-53152771-C-CGCCGCT. GRCh37 (hg19) VCF-style: chr14-53619489-C-CGCCGCT.
Other names: c.322_327dup, p.Ser108_Gly109dup (NM_001160147.2, NM_030637.3).
Identifiers: ClinVar variation 1209452 (VCV001209452.5), dbSNP rs747912386, ClinGen allele CA261383501.

ClinVar aggregate classification (germline): Uncertain significance. Review status: criteria provided, multiple submitters, no conflicts (2 of 4 stars). 2 submissions from 2 submitters: Uncertain significance (2). Last evaluated 2022-08-31.

Conditions:
Hereditary spastic paraplegia 28. Also called: Spastic paraplegia 28, autosomal recessive. Identifiers: Orphanet 101008, MedGen C1836295, MONDO:0012256, OMIM 609340.

Allele frequency attached by ClinVar (database versions not stated): gnomAD exomes 0.00001 and 0.00002; gnomAD 0.00003 and 0.00004.

Submissions (2):

Labcorp Genetics (formerly Invitae), Labcorp
Classification: Uncertain significance for Hereditary spastic paraplegia 28. Last evaluated: 2022-08-31. Review status: criteria provided, single submitter. Criteria: Invitae Variant Classification Sherloc (09022015). Collection method: clinical testing. Allele origin: germline.
Comment: This variant, c.322_327dup, results in the insertion of 2 amino acid(s) of the DDHD1 protein (p.Ser108_Gly109dup), but otherwise preserves the integrity of the reading frame. This variant is present in population databases (rs747912386, gnomAD 0.006%). This variant has not been reported in the literature in individuals affected with DDHD1-related conditions. ClinVar contains an entry for this variant (Variation ID: 1209452). In summary, the available evidence is currently insufficient to determine the role of this variant in disease. Therefore, it has been classified as a Variant of Uncertain Significance.

GeneDx
Classification: Uncertain significance. Last evaluated: 2019-08-05. Review status: criteria provided, single submitter. Criteria: GeneDx Variant Classification Process June 2021. Collection method: clinical testing. Allele origin: germline. Affected: yes.
Comment: Not observed at a significant frequency in large population cohorts (Lek et al., 2016); In-frame duplication of 2 amino acids in a non-repeat region; Has not been previously published as pathogenic or benign to our knowledge